The following is an entry in ClinVar:

ClinVar aggregate classification (germline): Pathogenic (1 of 4 stars; one submission).

Submission:

Labcorp Genetics (formerly Invitae), Labcorp
Classification: Pathogenic. Last evaluated: 2025-02-09. Review status: criteria provided, single submitter. Criteria: Invitae Variant Classification Sherloc (09022015). Collection method: clinical testing. Allele origin: germline.
Comment: This sequence change replaces arginine, which is basic and polar, with glycine, which is neutral and non-polar, at codon 1984 of the NSD1 protein (p.Arg1984Gly). This variant is not present in population databases (gnomAD no frequency). This missense change has been observed in individuals with clinical features of Sotos syndrome (PMID: 15452385; internal data). Invitae Evidence Modeling of protein sequence and biophysical properties (such as structural, functional, and spatial information, amino acid conservation, physicochemical variation, residue mobility, and thermodynamic stability) indicates that this missense variant is expected to disrupt NSD1 protein function with a positive predictive value of 95%. This variant disrupts the p.Arg1984 amino acid residue in NSD1. Other variant(s) that disrupt this residue have been determined to be pathogenic (PMID: 12807965, 15942875, 16247291, 17561922, 17565729). This suggests that this residue is clinically significant, and that variants that disrupt this residue are likely to be disease-causing. For these reasons, this variant has been classified as Pathogenic.

Literature cited by the submitters: PubMed 15452385; PubMed 12807965; PubMed 15942875; PubMed 16247291; PubMed 17561922; PubMed 17565729.

NM_022455.5(NSD1):c.5950C>G (p.Arg1984Gly)

Gene: NSD1 (nuclear receptor binding SET domain protein 1; plus strand). Cytogenetic location: 5q35.3.
Variant type: single nucleotide variant.
Coding change: c.5950C>G on transcript NM_022455.5 (MANE Select); coding-DNA position 5950, C replaced by G.
Protein change: p.Arg1984Gly; replaces arginine 1984 with glycine.
Molecular consequence: missense variant.
Genome position (GRCh38, 1-based): chr5:177,282,522, C>G. VCF-style: chr5-177282522-C-G. GRCh37 (hg19) VCF-style: chr5-176709523-C-G.
Other names: c.5077C>G, p.Arg1693Gly (NM_001365684.2, NM_001409308.1, NM_001409309.1 and 1 more transcripts); c.5950C>G, p.Arg1984Gly (NM_001409301.1, NM_001409302.1, NM_001409303.1); c.5530C>G, p.Arg1844Gly (NM_001409304.1); c.5197C>G, p.Arg1733Gly (NM_001409305.1); c.5188C>G, p.Arg1730Gly (NM_001409306.1, NM_001409307.1); short protein forms R1844G, R1693G, R1730G, R1984G, R1733G.
Identifiers: ClinVar variation 4747480 (VCV004747480.1).